The following is an entry in ClinVar:

ClinVar aggregate classification (germline): Uncertain significance (1 of 4 stars; one submission).

Submission:

GeneDx
Classification: Uncertain significance. Last evaluated: 2022-04-28. Review status: criteria provided, single submitter. Criteria: GeneDx Variant Classification Process June 2021. Collection method: clinical testing. Allele origin: germline. Affected: yes.
Comment: Not observed at significant frequency in large population cohorts (gnomAD); In silico analysis supports that this missense variant has a deleterious effect on protein structure/function; Has not been previously published as pathogenic or benign to our knowledge

NM_017617.5(NOTCH1):c.1574G>C (p.Cys525Ser)

Gene: NOTCH1 (notch receptor 1; minus strand). Cytogenetic location: 9q34.3.
Variant type: single nucleotide variant.
Coding change: c.1574G>C on transcript NM_017617.5 (MANE Select); coding-DNA position 1574, G replaced by C.
Protein change: p.Cys525Ser; replaces cysteine 525 with serine.
Molecular consequence: missense variant.
Genome position (GRCh38, 1-based): chr9:136,516,076, C>G on the plus strand (G>C on the coding strand, the complement: NOTCH1 is on the minus strand). VCF-style: chr9-136516076-C-G. GRCh37 (hg19) VCF-style: chr9-139410528-C-G.
Other names: short protein forms C525S.
Identifiers: ClinVar variation 1712762 (VCV001712762.2), dbSNP rs2133365438, ClinGen allele CA375560976.
Genomic context (GRCh38, chr9:136,516,076, plus strand): 5'-TCCAGGCACTTGGCACCATTCTTGCAGGGGGTGCTGGCACACTCGTCCACATCGTACTGG[C>G]ACAGATGCCCAGTGAAGCCTGGGGCCGGGGAGGGGAGGGGAGGGAGTCATGTGCAACAGC-3'
Protein context (NP_060087.3, residues 515-535): ECPTGFTGHL[Cys525Ser]QYDVDECAST